The following is an entry in ClinVar:

NM_004408.4(DNM1):c.2057T>C (p.Met686Thr)

Gene: DNM1 (dynamin 1; plus strand). Cytogenetic location: 9q34.11.
Variant type: single nucleotide variant.
Coding change: c.2057T>C on transcript NM_004408.4 (MANE Select); coding-DNA position 2057, T replaced by C.
Protein change: p.Met686Thr; replaces methionine 686 with threonine.
Molecular consequence: missense variant.
Genome position (GRCh38, 1-based): chr9:128,248,734, T>C. VCF-style: chr9-128248734-T-C. GRCh37 (hg19) VCF-style: chr9-131011013-T-C.
Other names: c.2057T>C, p.Met686Thr (NM_001005336.3, NM_001288737.2, NM_001288738.2 and 2 more transcripts); short protein forms M686T.
Identifiers: ClinVar variation 2822641 (VCV002822641.3), dbSNP rs2539114405, ClinGen allele CA375000525.

ClinVar aggregate classification (germline): Uncertain significance (1 of 4 stars; one submission).

Conditions:
Developmental and epileptic encephalopathy, 31A. Also called: Epileptic encephalopathy, early infantile, 31; Developmental and epileptic encephalopathy, 31. Identifiers: Orphanet 2382, MedGen C4225357, MONDO:0014598, OMIM 616346.

Allele frequency attached by ClinVar (database versions not stated): gnomAD exomes below 0.00001.
gnomAD v4.1: 1 of 1,613,728 alleles (0.000062%); highest among the groups gnomAD compares: Non-Finnish European, 0.000085%; no homozygotes.

Submission:

Labcorp Genetics (formerly Invitae), Labcorp
Classification: Uncertain significance for Developmental and epileptic encephalopathy, 31A. Last evaluated: 2022-12-20. Review status: criteria provided, single submitter. Criteria: Invitae Variant Classification Sherloc (09022015). Collection method: clinical testing. Allele origin: germline.
Comment: This sequence change replaces methionine, which is neutral and non-polar, with threonine, which is neutral and polar, at codon 686 of the DNM1 protein (p.Met686Thr). This variant is not present in population databases (gnomAD no frequency). This variant has not been reported in the literature in individuals affected with DNM1-related conditions. Advanced modeling of protein sequence and biophysical properties (such as structural, functional, and spatial information, amino acid conservation, physicochemical variation, residue mobility, and thermodynamic stability) performed at Invitae indicates that this missense variant is not expected to disrupt DNM1 protein function. In summary, the available evidence is currently insufficient to determine the role of this variant in disease. Therefore, it has been classified as a Variant of Uncertain Significance.